The following is an entry in ClinVar:

NM_000426.4(LAMA2):c.1685A>G (p.Asp562Gly)

Gene: LAMA2 (laminin subunit alpha 2; plus strand). Cytogenetic location: 6q22.33.
Variant type: single nucleotide variant.
Coding change: c.1685A>G on transcript NM_000426.4 (MANE Select); coding-DNA position 1685, A replaced by G.
Protein change: p.Asp562Gly; replaces aspartic acid 562 with glycine.
Molecular consequence: missense variant.
Genome position (GRCh38, 1-based): chr6:129,192,756, A>G. VCF-style: chr6-129192756-A-G. GRCh37 (hg19) VCF-style: chr6-129513901-A-G.
Other names: c.1685A>G, p.Asp562Gly (NM_001079823.2); short protein forms D562G.
Identifiers: ClinVar variation 4701559 (VCV004701559.1).

ClinVar aggregate classification (germline): Uncertain significance (1 of 4 stars; one submission).

Conditions:
LAMA2-related muscular dystrophy (LAMA2-RD). Also called: Laminin alpha 2-related dystrophy. Identifiers: MedGen C5679788, MONDO:0100228.

Submission:

Labcorp Genetics (formerly Invitae), Labcorp
Classification: Uncertain significance for LAMA2-related muscular dystrophy. Last evaluated: 2025-10-08. Review status: criteria provided, single submitter. Criteria: Invitae Variant Classification Sherloc (09022015). Collection method: clinical testing. Allele origin: germline.
Comment: This sequence change replaces aspartic acid, which is acidic and polar, with glycine, which is neutral and non-polar, at codon 562 of the LAMA2 protein (p.Asp562Gly). This variant is not present in population databases (gnomAD no frequency). This variant has not been reported in the literature in individuals affected with LAMA2-related conditions. Invitae Evidence Modeling of protein sequence and biophysical properties (such as structural, functional, and spatial information, amino acid conservation, physicochemical variation, residue mobility, and thermodynamic stability) indicates that this missense variant is not expected to disrupt LAMA2 protein function with a negative predictive value of 95%. In summary, the available evidence is currently insufficient to determine the role of this variant in disease. Therefore, it has been classified as a Variant of Uncertain Significance.